The following is an entry in ClinVar:

NM_003611.3(OFD1):c.1646C>T (p.Thr549Ile)

Gene: OFD1 (OFD1 centriole and centriolar satellite protein; plus strand). Cytogenetic location: Xp22.2.
Variant type: single nucleotide variant.
Coding change: c.1646C>T on transcript NM_003611.3 (MANE Select); coding-DNA position 1646, C replaced by T.
Protein change: p.Thr549Ile; replaces threonine 549 with isoleucine.
Molecular consequence: missense variant.
Genome position (GRCh38, 1-based): chrX:13,758,440, C>T. VCF-style: chrX-13758440-C-T. GRCh37 (hg19) VCF-style: chrX-13776559-C-T.
Other names: c.1526C>T, p.Thr509Ile (NM_001330209.2); c.1226C>T, p.Thr409Ile (NM_001330210.2); short protein forms T409I, T509I, T549I.
Identifiers: ClinVar variation 1502491 (VCV001502491.8), dbSNP rs1275319013, ClinGen allele CA412343496.

ClinVar aggregate classification (germline): Uncertain significance (1 of 4 stars; one submission).

Conditions:
Joubert syndrome. Also called: CEREBELLOPARENCHYMAL DISORDER IV; JOUBERT-BOLTSHAUSER SYNDROME; Familial aplasia of the vermis. Identifiers: Orphanet 475, MedGen C5979921, MONDO:0018772.
Orofaciodigital syndrome I (OFD1). Also called: OFDS I; Papillon-Leage and Psaume Syndrome; Oral-Facial-Digital Syndrome Type I. Identifiers: Orphanet 2750, MedGen C1510460, MONDO:0010702, OMIM 311200.

Allele frequency attached by ClinVar (database versions not stated): gnomAD 0.00002; gnomAD exomes 0.00001; TOPMed 0.00001.
gnomAD v4.1: 2 of 1,148,994 alleles (0.00017%); highest among the groups gnomAD compares: Non-Finnish European, 0.00024%; no homozygotes.

Submission:

Labcorp Genetics (formerly Invitae), Labcorp
Classification: Uncertain significance for Orofaciodigital syndrome I; Joubert syndrome. Last evaluated: 2023-06-09. Review status: criteria provided, single submitter. Criteria: Invitae Variant Classification Sherloc (09022015). Collection method: clinical testing. Allele origin: germline.
Comment: In summary, the available evidence is currently insufficient to determine the role of this variant in disease. Therefore, it has been classified as a Variant of Uncertain Significance. Advanced modeling of protein sequence and biophysical properties (such as structural, functional, and spatial information, amino acid conservation, physicochemical variation, residue mobility, and thermodynamic stability) performed at Invitae indicates that this missense variant is expected to disrupt OFD1 protein function. ClinVar contains an entry for this variant (Variation ID: 1502491). This variant has not been reported in the literature in individuals affected with OFD1-related conditions. This variant is present in population databases (no rsID available, gnomAD 0.001%). This sequence change replaces threonine, which is neutral and polar, with isoleucine, which is neutral and non-polar, at codon 549 of the OFD1 protein (p.Thr549Ile).